The following is an entry in ClinVar:

ClinVar aggregate classification (germline): Uncertain significance (1 of 4 stars; one submission).

Conditions:
Neu-Laxova syndrome 2. Identifiers: Orphanet 2671, Orphanet 583602, MedGen C4015019, MONDO:0014466, OMIM 616038.

Allele frequency attached by ClinVar (database versions not stated): gnomAD exomes below 0.00001.
gnomAD v4.1: 2 of 1,612,176 alleles (0.00012%); highest among the groups gnomAD compares: Non-Finnish European, 0.00017%; no homozygotes.

Submission:

Labcorp Genetics (formerly Invitae), Labcorp
Classification: Uncertain significance for Neu-Laxova syndrome 2. Last evaluated: 2020-12-17. Review status: criteria provided, single submitter. Criteria: Invitae Variant Classification Sherloc (09022015). Collection method: clinical testing. Allele origin: germline.
Comment: In summary, the available evidence is currently insufficient to determine the role of this variant in disease. Therefore, it has been classified as a Variant of Uncertain Significance. Algorithms developed to predict the effect of missense changes on protein structure and function are either unavailable or do not agree on the potential impact of this missense change (SIFT: "Deleterious"; PolyPhen-2: "Benign"; Align-GVGD: "Class C0"). This variant has not been reported in the literature in individuals with PSAT1-related conditions. This variant is not present in population databases (ExAC no frequency). This sequence change replaces aspartic acid with alanine at codon 136 of the PSAT1 protein (p.Asp136Ala). The aspartic acid residue is highly conserved and there is a moderate physicochemical difference between aspartic acid and alanine.

NM_058179.4(PSAT1):c.407A>C (p.Asp136Ala)

Gene: PSAT1 (phosphoserine aminotransferase 1; plus strand). Cytogenetic location: 9q21.2.
Variant type: single nucleotide variant.
Coding change: c.407A>C on transcript NM_058179.4 (MANE Select); coding-DNA position 407, A replaced by C.
Protein change: p.Asp136Ala; replaces aspartic acid 136 with alanine.
Molecular consequence: missense variant.
Genome position (GRCh38, 1-based): chr9:78,306,323, A>C. VCF-style: chr9-78306323-A-C. GRCh37 (hg19) VCF-style: chr9-80921239-A-C.
Other names: c.407A>C, p.Asp136Ala (NM_021154.5); short protein forms D136A.
Identifiers: ClinVar variation 1480840 (VCV001480840.8), dbSNP rs2118643144, ClinGen allele CA373872877.